The following is an entry in ClinVar:

ClinVar aggregate classification (germline): Benign/Likely benign. Review status: criteria provided, multiple submitters, no conflicts (2 of 4 stars). 6 submissions from 6 submitters: Benign (3); Likely benign (3). Last evaluated 2026-02-01.

Conditions:
Cardiovascular phenotype. Identifiers: MedGen CN230736.

Allele frequency attached by ClinVar (database versions not stated): gnomAD exomes 0.00247; ExAC 0.00275; gnomAD 0.00897; ESP Exome Variant Server 0.00928; 1000 Genomes Project 0.00958; 1000 Genomes Project 30x 0.01109.

Submissions (6):

Labcorp Genetics (formerly Invitae), Labcorp
Classification: Benign. Last evaluated: 2026-02-01. Review status: criteria provided, single submitter. Criteria: Invitae Variant Classification Sherloc (09022015). Collection method: clinical testing. Allele origin: germline.

Women's Health and Genetics/Laboratory Corporation of America, LabCorp
Classification: Likely benign. Last evaluated: 2026-01-22. Review status: criteria provided, single submitter. Criteria: LabCorp Variant Classification Summary - May 2015. Collection method: clinical testing. Allele origin: germline.

Mayo Clinic Laboratories, Mayo Clinic
Classification: Benign. Last evaluated: 2023-04-26. Review status: criteria provided, single submitter. Criteria: ACMG Guidelines, 2015. Collection method: clinical testing. Allele origin: germline. Observed: 8 variant alleles.
Comment: BS1, BS2, BP4

GeneDx
Classification: Likely benign. Last evaluated: 2020-12-30. Review status: criteria provided, single submitter. Criteria: GeneDx Variant Classification Process June 2021. Collection method: clinical testing. Allele origin: germline. Affected: yes.

Ambry Genetics
Classification: Benign for Cardiovascular phenotype. Last evaluated: 2019-03-29. Review status: criteria provided, single submitter. Criteria: Ambry Variant Classification Scheme 2023. Collection method: clinical testing. Allele origin: germline.

Breakthrough Genomics
Classification: Likely benign. Review status: criteria provided, single submitter. Criteria: ACMG Guidelines, 2015. Collection method: not provided. Allele origin: germline. Inheritance: Autosomal recessive inheritance. Affected: yes.

NM_001365276.2(TNXB):c.7711C>G (p.Gln2571Glu)

Gene: TNXB (tenascin XB; minus strand). Cytogenetic location: 6p21.33.
Variant type: single nucleotide variant.
Coding change: c.7711C>G on transcript NM_001365276.2 (MANE Select); coding-DNA position 7711, C replaced by G.
Protein change: p.Gln2571Glu; replaces glutamine 2571 with glutamic acid.
Molecular consequence: missense variant.
Genome position (GRCh38, 1-based): chr6:32,058,172, G>C on the plus strand (C>G on the coding strand, the complement: TNXB is on the minus strand). VCF-style: chr6-32058172-G-C. GRCh37 (hg19) VCF-style: chr6-32025949-G-C.
Other names: p.Gln2571Glu; c.7711C>G, p.Gln2571Glu (NM_019105.8); short protein forms Q2571E.
Identifiers: ClinVar variation 1217100 (VCV001217100.9), dbSNP rs188116087, ClinGen allele CA3734079.
Genomic context (GRCh38, chr6:32,058,172, plus strand): 5'-ACAGGTGCATCTTGTACTTGCGCCCAGGCTCCAGGCCCCTCACAGTGACCTTGCTCTCCT[G>C]GCCCCCAACACGCACCGCCTGGGGCCGCCCGTCCCTGTCCTTGTACTGCACGGTGAAGGA-3'
Protein context (NP_001352205.1, residues 2561-2581): GRPQAVRVGG[Gln2571Glu]ESKVTVRGLE